The following is an entry in ClinVar:

NM_000111.3(SLC26A3):c.1369G>T (p.Glu457Ter)

Gene: SLC26A3 (solute carrier family 26 member 3; minus strand). Cytogenetic location: 7q22.3.
Variant type: single nucleotide variant.
Coding change: c.1369G>T on transcript NM_000111.3 (MANE Select); coding-DNA position 1369, G replaced by T.
Protein change: p.Glu457Ter; replaces glutamic acid 457 with a stop codon.
Molecular consequence: nonsense.
Genome position (GRCh38, 1-based): chr7:107,779,706, C>A on the plus strand (G>T on the coding strand, the complement: SLC26A3 is on the minus strand). VCF-style: chr7-107779706-C-A. GRCh37 (hg19) VCF-style: chr7-107420151-C-A.
Other names: short protein forms E457*.
Identifiers: ClinVar variation 2841748 (VCV002841748.3), dbSNP rs2115832531, ClinGen allele CA368851401.
Genomic context (GRCh38, chr7:107,779,706, plus strand): 5'-AAATACTATTGCCTCTACTTACACAATCATATTTGTCCTTTCGCCACAATCTGCCTATTT[C>A]AGCAAACTGCATCAGCATTCCCTTTAAGTTTCCCAATGCTAAAGCTGCCAGGACGGACTG-3'

ClinVar aggregate classification (germline): Pathogenic (1 of 4 stars; one submission).

Submission:

Labcorp Genetics (formerly Invitae), Labcorp
Classification: Pathogenic. Last evaluated: 2023-03-01. Review status: criteria provided, single submitter. Criteria: Invitae Variant Classification Sherloc (09022015). Collection method: clinical testing. Allele origin: germline.
Comment: For these reasons, this variant has been classified as Pathogenic. This variant has not been reported in the literature in individuals affected with SLC26A3-related conditions. This variant is not present in population databases (gnomAD no frequency). This sequence change creates a premature translational stop signal (p.Glu457*) in the SLC26A3 gene. It is expected to result in an absent or disrupted protein product. Loss-of-function variants in SLC26A3 are known to be pathogenic (PMID: 9718329, 21394828).

Literature cited by the submitters: PubMed 9718329; PubMed 21394828.